The following is an entry in ClinVar:

ClinVar aggregate classification (germline): Uncertain significance. Review status: criteria provided, multiple submitters, no conflicts (2 of 4 stars). 2 submissions from 2 submitters: Uncertain significance (2). Last evaluated 2024-05-08.

Conditions:
Hereditary cancer-predisposing syndrome. Also called: Neoplastic Syndromes, Hereditary; Tumor predisposition; Hereditary Cancer Syndrome; Hereditary neoplastic syndrome. Identifiers: Orphanet 140162, MedGen C0027672, MeSH D009386, MONDO:0015356.
Familial adenomatous polyposis 1 (FAP1). Also called: FAMILIAL ADENOMATOUS POLYPOSIS 1, ATTENUATED; POLYPOSIS, ADENOMATOUS INTESTINAL. Identifiers: MedGen C2713442, MONDO:0021056, OMIM 175100. Disease mechanism: loss of function.

Submissions (2):

Labcorp Genetics (formerly Invitae), Labcorp
Classification: Uncertain significance for Familial adenomatous polyposis 1. Last evaluated: 2024-05-08. Review status: criteria provided, single submitter. Criteria: Invitae Variant Classification Sherloc (09022015). Collection method: clinical testing. Allele origin: germline.
Comment: This sequence change replaces aspartic acid, which is acidic and polar, with alanine, which is neutral and non-polar, at codon 739 of the APC protein (p.Asp739Ala). This variant is not present in population databases (gnomAD no frequency). This variant has not been reported in the literature in individuals affected with APC-related conditions. ClinVar contains an entry for this variant (Variation ID: 1787835). Advanced modeling of protein sequence and biophysical properties (such as structural, functional, and spatial information, amino acid conservation, physicochemical variation, residue mobility, and thermodynamic stability) performed at Invitae indicates that this missense variant is not expected to disrupt APC protein function with a negative predictive value of 95%. In summary, the available evidence is currently insufficient to determine the role of this variant in disease. Therefore, it has been classified as a Variant of Uncertain Significance.

Ambry Genetics
Classification: Uncertain significance for Hereditary cancer-predisposing syndrome. Last evaluated: 2020-07-02. Review status: criteria provided, single submitter. Criteria: Ambry Variant Classification Scheme 2023. Collection method: clinical testing. Allele origin: germline.
Comment: The p.D739A variant (also known as c.2216A>C), located in coding exon 15 of the APC gene, results from an A to C substitution at nucleotide position 2216. The aspartic acid at codon 739 is replaced by alanine, an amino acid with dissimilar properties. This amino acid position is highly conserved in available vertebrate species. In addition, in silico predictors for this gene do not accurately predict pathogenicity. Since supporting evidence is limited at this time, the clinical significance of this alteration remains unclear.

NM_000038.6(APC):c.2216A>C (p.Asp739Ala)

Gene: APC (APC regulator of Wnt signaling pathway; plus strand). Cytogenetic location: 5q22.2.
Variant type: single nucleotide variant.
Coding change: c.2216A>C on transcript NM_000038.6 (MANE Select); coding-DNA position 2216, A replaced by C.
Protein change: p.Asp739Ala; replaces aspartic acid 739 with alanine.
Molecular consequence: missense variant.
Genome position (GRCh38, 1-based): chr5:112,837,810, A>C. VCF-style: chr5-112837810-A-C. GRCh37 (hg19) VCF-style: chr5-112173507-A-C.
Other names: c.2216A>C, p.Asp739Ala (NM_001127510.3, NM_001354895.2, NM_001407450.1); c.2162A>C, p.Asp721Ala (NM_001127511.3); c.2270A>C, p.Asp757Ala (NM_001354896.2, NM_001407447.1, NM_001407448.1 and 1 more transcripts); c.2246A>C, p.Asp749Ala (NM_001354897.2); c.2141A>C, p.Asp714Ala (NM_001354898.2); c.2132A>C, p.Asp711Ala (NM_001354899.2); c.2093A>C, p.Asp698Ala (NM_001354900.2); c.2039A>C, p.Asp680Ala (NM_001354901.2, NM_001407453.1); and 11 more; short protein forms D579A, D656A, D680A, D767A, D456A, D610A, D638A, D714A.
Identifiers: ClinVar variation 1787835 (VCV001787835.7), dbSNP rs2149863527, ClinGen allele CA16026188.
Genomic context (GRCh38, chr5:112,837,810, plus strand): 5'-CTATGGGAAGTGCTGCAGCTTTAAGGAATCTCATGGCAAATAGGCCTGCGAAGTACAAGG[A>C]TGCCAATATTATGTCTCCTGGCTCAAGCTTGCCATCTCTTCATGTTAGGAAACAAAAAGC-3'
Protein context (NP_000029.2, residues 729-749): LMANRPAKYK[Asp739Ala]ANIMSPGSSL